The following is an entry in ClinVar:

NM_006361.6(HOXB13):c.666_667del (p.Tyr223fs)

Gene: HOXB13 (homeobox B13; minus strand). Cytogenetic location: 17q21.32.
Variant type: Deletion.
Coding change: c.666_667del on transcript NM_006361.6 (MANE Select); coding-DNA positions 666 to 667, 2 bases deleted (GT; older notation c.666_667delGT).
Protein change: p.Tyr223fs; shifts the reading frame from tyrosine 223.
Molecular consequence: frameshift variant.
Genome position (GRCh38, 1-based): chr17:48,726,978-48,726,979, AC deleted on the plus strand (GT on the coding strand, the reverse complement: HOXB13 is on the minus strand). VCF-style (leftmost placement, unchanged base first): chr17-48726977-TAC-T. GRCh37 (hg19) VCF-style: chr17-46804339-TAC-T.
Other names: short protein forms Y223fs.
Identifiers: ClinVar variation 936661 (VCV000936661.7), dbSNP rs2038218321, ClinGen allele CA1139665679.

ClinVar aggregate classification (germline): Uncertain significance (1 of 4 stars; one submission).

Allele frequency attached by ClinVar (database versions not stated): gnomAD exomes 0.00001.

Submission:

Labcorp Genetics (formerly Invitae), Labcorp
Classification: Uncertain significance. Last evaluated: 2019-10-09. Review status: criteria provided, single submitter. Criteria: Invitae Variant Classification Sherloc (09022015). Collection method: clinical testing. Allele origin: germline.
Comment: This sequence change results in a premature translational stop signal in the HOXB13 gene (p.Tyr223Glnfs*15). While this is not anticipated to result in nonsense mediated decay, it is expected to disrupt the last 62 amino acids of the HOXB13 protein. This variant is not present in population databases (ExAC no frequency). This variant has not been reported in the literature in individuals with HOXB13-related conditions. Experimental studies and prediction algorithms are not available or were not evaluated, and the functional significance of this variant is currently unknown. In summary, the available evidence is currently insufficient to determine the role of this variant in disease. Therefore, it has been classified as a Variant of Uncertain Significance.